The following is an entry in ClinVar:

NM_004958.4(MTOR):c.5996G>T (p.Cys1999Phe)

Gene: MTOR (mechanistic target of rapamycin kinase; minus strand). Cytogenetic location: 1p36.22.
Variant type: single nucleotide variant.
Coding change: c.5996G>T on transcript NM_004958.4 (MANE Select); coding-DNA position 5996, G replaced by T.
Protein change: p.Cys1999Phe; replaces cysteine 1999 with phenylalanine.
Molecular consequence: missense variant.
Genome position (GRCh38, 1-based): chr1:11,128,041, C>A on the plus strand (G>T on the coding strand, the complement: MTOR is on the minus strand). VCF-style: chr1-11128041-C-A. GRCh37 (hg19) VCF-style: chr1-11188098-C-A.
Other names: c.5996G>T, p.Cys1999Phe (NM_001386500.1); c.4748G>T, p.Cys1583Phe (NM_001386501.1); short protein forms C1999F, C1583F.
Identifiers: ClinVar variation 1997443 (VCV001997443.4), dbSNP rs2100413193, ClinGen allele CA338394452.

ClinVar aggregate classification (germline): Uncertain significance (1 of 4 stars; one submission).

Submission:

Labcorp Genetics (formerly Invitae), Labcorp
Classification: Uncertain significance. Last evaluated: 2022-05-21. Review status: criteria provided, single submitter. Criteria: Invitae Variant Classification Sherloc (09022015). Collection method: clinical testing. Allele origin: germline.
Comment: In summary, the available evidence is currently insufficient to determine the role of this variant in disease. Therefore, it has been classified as a Variant of Uncertain Significance. Algorithms developed to predict the effect of sequence changes on RNA splicing suggest that this variant may disrupt the consensus splice site. Advanced modeling of protein sequence and biophysical properties (such as structural, functional, and spatial information, amino acid conservation, physicochemical variation, residue mobility, and thermodynamic stability) performed at Invitae indicates that this missense variant is expected to disrupt MTOR protein function. This variant has not been reported in the literature in individuals affected with MTOR-related conditions. This variant is not present in population databases (gnomAD no frequency). This sequence change replaces cysteine, which is neutral and slightly polar, with phenylalanine, which is neutral and non-polar, at codon 1999 of the MTOR protein (p.Cys1999Phe).